The following is an entry in ClinVar:

ClinVar aggregate classification (germline): Likely benign. Review status: criteria provided, multiple submitters, no conflicts (2 of 4 stars). 8 submissions from 8 submitters: Likely benign (7). 1 of the submissions does not count toward it. Last evaluated 2026-01-10.

Conditions:
CDH2-related disorder. Also called: CDH2-related condition.
Inborn genetic diseases. Identifiers: MedGen C0950123, MeSH D030342.

Allele frequency attached by ClinVar (database versions not stated): gnomAD exomes 0.00038; ExAC 0.00040; ESP Exome Variant Server 0.00046.
gnomAD v4.1: 1,119 of 1,613,500 alleles (0.069%); highest among the groups gnomAD compares: Non-Finnish European, 0.09%; no homozygotes.

Submissions (8):

Labcorp Genetics (formerly Invitae), Labcorp
Classification: Likely benign. Last evaluated: 2026-01-10. Review status: criteria provided, single submitter. Criteria: Invitae Variant Classification Sherloc (09022015). Collection method: clinical testing. Allele origin: germline.

Ambry Genetics
Classification: Likely benign for Inborn genetic diseases. Last evaluated: 2025-04-11. Review status: criteria provided, single submitter. Criteria: Ambry Variant Classification Scheme 2023. Collection method: clinical testing. Allele origin: germline.

Molecular Diagnostic Laboratory for Inherited Cardiovascular Disease, Montreal Heart Institute
Classification: Likely benign. Last evaluated: 2025-04-09. Review status: criteria provided, single submitter. Criteria: ACMG Guidelines, 2015. Collection method: clinical testing. Allele origin: germline. Affected: no.
Comment: BS1, BP5, BP6

CeGaT Center for Human Genetics Tuebingen
Classification: Likely benign. Last evaluated: 2025-03-01. Review status: criteria provided, single submitter. Criteria: CeGaT Center For Human Genetics Tuebingen Variant Classification Criteria Version 2. Collection method: clinical testing. Allele origin: germline. Affected: yes. Observed: 2 variant alleles.
Comment: CDH2: BS1

Mayo Clinic Laboratories, Mayo Clinic
Classification: Likely benign. Last evaluated: 2025-01-27. Review status: criteria provided, single submitter. Criteria: ACMG Guidelines, 2015. Collection method: clinical testing. Allele origin: germline. Observed: 1 variant allele.
Comment: BS1, BP4

Blueprint Genetics
Classification: Likely benign. Last evaluated: 2024-10-30. Review status: criteria provided, single submitter. Criteria: ACMG Guidelines, 2015. Collection method: clinical testing. Allele origin: germline.

Breakthrough Genomics
Classification: Likely benign. Review status: criteria provided, single submitter. Criteria: ACMG Guidelines, 2015. Collection method: not provided. Allele origin: germline. Inheritance: Autosomal recessive inheritance. Affected: yes.

PreventionGenetics, part of Exact Sciences
Classification: Likely benign for CDH2-related condition. Last evaluated: 2023-06-02. Review status: no assertion criteria provided. Collection method: clinical testing. Allele origin: germline. Not counted in ClinVar's aggregate classification.
Comment: This variant is classified as likely benign based on ACMG/AMP sequence variant interpretation guidelines (Richards et al. 2015 PMID: 25741868, with internal and published modifications).

NM_001792.5(CDH2):c.865G>A (p.Val289Ile)

Gene: CDH2 (cadherin 2; minus strand). Cytogenetic location: 18q12.1.
Variant type: single nucleotide variant.
Coding change: c.865G>A on transcript NM_001792.5 (MANE Select); coding-DNA position 865, G replaced by A.
Protein change: p.Val289Ile; replaces valine 289 with isoleucine.
Molecular consequence: missense variant.
Genome position (GRCh38, 1-based): chr18:28,003,152, C>T on the plus strand (G>A on the coding strand, the complement: CDH2 is on the minus strand). VCF-style: chr18-28003152-C-T. GRCh37 (hg19) VCF-style: chr18-25583116-C-T.
Other names: p.Val289Ile; c.772G>A, p.Val258Ile (NM_001308176.2); c.865G>A (NM_001792.4, NM_001792.3); short protein forms V258I, V289I.
Identifiers: ClinVar variation 1642699 (VCV001642699.27), dbSNP rs142589795, ClinGen allele CA8923577.